The following is an entry in ClinVar:

NM_017617.5(NOTCH1):c.6457G>A (p.Val2153Met)

Gene: NOTCH1 (notch receptor 1; minus strand). Cytogenetic location: 9q34.3.
Variant type: single nucleotide variant.
Coding change: c.6457G>A on transcript NM_017617.5 (MANE Select); coding-DNA position 6457, G replaced by A.
Protein change: p.Val2153Met; replaces valine 2153 with methionine.
Molecular consequence: missense variant.
Genome position (GRCh38, 1-based): chr9:136,497,282, C>T on the plus strand (G>A on the coding strand, the complement: NOTCH1 is on the minus strand). VCF-style: chr9-136497282-C-T. GRCh37 (hg19) VCF-style: chr9-139391734-C-T.
Other names: c.6457G>A, p.Val2153Met (LRG_1122t1); short protein forms V2153M.
Identifiers: ClinVar variation 544167 (VCV000544167.12), dbSNP rs375073677, ClinGen allele CA5339894.
Genomic context (GRCh38, chr9:136,497,282, plus strand): 5'-CCTCCTTGCTTCCACAGGCCAGGCCTTTGCTGCTGGGCTTGCGGACCTTCTTGCCCTGCA[C>T]GCCGGGCTTGAGGCTGCCCAGGTAGCCGTTGGGCGAGCAGAGCGGGGGCGACAGGGTGGG-3'
Protein context (NP_060087.3, residues 2143-2163): NGYLGSLKPG[Val2153Met]QGKKVRKPSS

ClinVar aggregate classification (germline): Conflicting classifications of pathogenicity. Review status: criteria provided, conflicting classifications (1 of 4 stars). 3 submissions from 3 submitters: Uncertain significance (1); Likely benign (2). Last evaluated 2025-12-21.

Conditions:
Adams-Oliver syndrome 5 (AOS5). Identifiers: Orphanet 974, MedGen C4014970, MONDO:0014459, OMIM 616028.
Familial thoracic aortic aneurysm and aortic dissection (TAAD). Also called: Thoracic aortic aneurysms and dissections. Identifiers: Orphanet 91387, MedGen C4707243, MONDO:0019625.

Allele frequency attached by ClinVar (database versions not stated): gnomAD exomes 0.00003 and 0.00006; gnomAD 0.00006 and 0.00007; ExAC 0.00008; ESP Exome Variant Server 0.00008; TOPMed 0.00009.
gnomAD v4.1: 59 of 1,609,526 alleles (0.0037%); highest among the groups gnomAD compares: South Asian, 0.015%; no homozygotes.

Submissions (3):

Labcorp Genetics (formerly Invitae), Labcorp
Classification: Likely benign for Adams-Oliver syndrome 5. Last evaluated: 2025-12-21. Review status: criteria provided, single submitter. Criteria: Invitae Variant Classification Sherloc (09022015). Collection method: clinical testing. Allele origin: germline.

GeneDx
Classification: Uncertain significance. Last evaluated: 2024-07-15. Review status: criteria provided, single submitter. Criteria: GeneDx Variant Classification Process June 2021. Collection method: clinical testing. Allele origin: germline. Affected: yes.
Comment: In silico analysis indicates that this missense variant does not alter protein structure/function; Has not been previously published as pathogenic or benign to our knowledge

Ambry Genetics
Classification: Likely benign for Familial thoracic aortic aneurysm and aortic dissection. Last evaluated: 2024-06-18. Review status: criteria provided, single submitter. Criteria: Ambry Variant Classification Scheme 2023. Collection method: clinical testing. Allele origin: germline.